The following is an entry in ClinVar:

NM_133433.4(NIPBL):c.7235C>G (p.Ser2412Cys)

Gene: NIPBL (NIPBL cohesin loading factor; plus strand). Cytogenetic location: 5p13.2.
Variant type: single nucleotide variant.
Coding change: c.7235C>G on transcript NM_133433.4 (MANE Select); coding-DNA position 7235, C replaced by G.
Protein change: p.Ser2412Cys; replaces serine 2412 with cysteine.
Molecular consequence: missense variant.
Genome position (GRCh38, 1-based): chr5:37,052,538, C>G. VCF-style: chr5-37052538-C-G. GRCh37 (hg19) VCF-style: chr5-37052640-C-G.
Other names: c.7235C>G, p.Ser2412Cys (NM_015384.5, NM_001438586.1); short protein forms S2412C.
Identifiers: ClinVar variation 4780577 (VCV004780577.1).

ClinVar aggregate classification (germline): Uncertain significance (1 of 4 stars; one submission).

Conditions:
Cornelia de Lange syndrome 1 (CDLS1). Also called: Brachmann de Lange syndrome; NIPBL-Related Cornelia de Lange Syndrome; TYPUS DEGENERATIVUS AMSTELODAMENSIS. Identifiers: Orphanet 199, MedGen C4551851, MONDO:0007387, OMIM 122470.

gnomAD v4.1: 7 of 1,614,102 alleles (0.00043%); highest among the groups gnomAD compares: African/African-American, 0.0013%; no homozygotes.

Submission:

Labcorp Genetics (formerly Invitae), Labcorp
Classification: Uncertain significance for Cornelia de Lange syndrome 1. Last evaluated: 2025-07-08. Review status: criteria provided, single submitter. Criteria: Invitae Variant Classification Sherloc (09022015). Collection method: clinical testing. Allele origin: germline.
Comment: This sequence change replaces serine, which is neutral and polar, with cysteine, which is neutral and slightly polar, at codon 2412 of the NIPBL protein (p.Ser2412Cys). This variant is present in population databases (rs763576119, gnomAD 0.0009%). This variant has not been reported in the literature in individuals affected with NIPBL-related conditions. Invitae Evidence Modeling of protein sequence and biophysical properties (such as structural, functional, and spatial information, amino acid conservation, physicochemical variation, residue mobility, and thermodynamic stability) indicates that this missense variant is expected to disrupt NIPBL protein function with a positive predictive value of 80%. In summary, the available evidence is currently insufficient to determine the role of this variant in disease. Therefore, it has been classified as a Variant of Uncertain Significance.